The following is an entry in ClinVar:

NM_198503.5(KCNT2):c.2445A>G (p.Ala815=)

Gene: KCNT2 (potassium sodium-activated channel subfamily T member 2; minus strand). Cytogenetic location: 1q31.3.
Variant type: single nucleotide variant.
Coding change: c.2445A>G on transcript NM_198503.5 (MANE Select); coding-DNA position 2445, A replaced by G.
Protein change: p.Ala815=; no amino-acid change (alanine 815 retained).
Molecular consequence: synonymous variant. On other transcripts: non-coding transcript variant (2).
Genome position (GRCh38, 1-based): chr1:196,315,930, T>C on the plus strand (A>G on the coding strand, the complement: KCNT2 is on the minus strand). VCF-style: chr1-196315930-T-C. GRCh37 (hg19) VCF-style: chr1-196285060-T-C.
Other names: c.2373A>G, p.Ala791= (NM_001287819.3); c.2223A>G, p.Ala741= (NM_001287820.3).
Identifiers: ClinVar variation 4281161 (VCV004281161.7).

ClinVar aggregate classification (germline): Likely benign (1 of 4 stars; one submission).

gnomAD v4.1: 23 of 1,607,886 alleles (0.0014%); highest among the groups gnomAD compares: Admixed American, 0.0067%; no homozygotes.

Submission:

CeGaT Center for Human Genetics Tuebingen
Classification: Likely benign. Last evaluated: 2026-06-01. Review status: criteria provided, single submitter. Criteria: CeGaT Center For Human Genetics Tuebingen Variant Classification Criteria Version 2. Collection method: clinical testing. Allele origin: germline. Affected: yes. Observed: 2 variant alleles.
Comment: KCNT2: BP4, BP7